The following is an entry in ClinVar:

ClinVar aggregate classification (germline): Uncertain significance (1 of 4 stars; one submission).

Conditions:
Neuropathy, hereditary sensory and autonomic, type 2A (HSAN2A). Also called: ACROOSTEOLYSIS, GIACCAI TYPE; ACROOSTEOLYSIS, NEUROGENIC; MORVAN DISEASE; NEUROPATHY, CONGENITAL SENSORY; NEUROPATHY, HEREDITARY SENSORY RADICULAR, AUTOSOMAL RECESSIVE; NEUROPATHY, HEREDITARY SENSORY, TYPE IIA. Identifiers: Orphanet 970, MedGen C2752089, MONDO:0024309, OMIM 201300.
Pseudohypoaldosteronism type 2C (PHA2C). Also called: Pseudohypoaldosteronism Type IIC. Identifiers: Orphanet 757, Orphanet 88940, MedGen C1840391, MONDO:0013778, OMIM 614492.

gnomAD v4.1: 6 of 1,613,966 alleles (0.00037%); highest among the groups gnomAD compares: East Asian, 0.0022%; no homozygotes.

Submission:

Labcorp Genetics (formerly Invitae), Labcorp
Classification: Uncertain significance for Neuropathy, hereditary sensory and autonomic, type 2A; Pseudohypoaldosteronism type 2C. Last evaluated: 2025-07-24. Review status: criteria provided, single submitter. Criteria: Invitae Variant Classification Sherloc (09022015). Collection method: clinical testing. Allele origin: germline.
Comment: This sequence change replaces arginine, which is basic and polar, with glutamine, which is neutral and polar, at codon 1355 of the WNK1 protein (p.Arg1355Gln). This variant is present in population databases (rs759393010, gnomAD 0.006%). This variant has not been reported in the literature in individuals affected with WNK1-related conditions. ClinVar contains an entry for this variant (Variation ID: 3758401). Invitae Evidence Modeling of protein sequence and biophysical properties (such as structural, functional, and spatial information, amino acid conservation, physicochemical variation, residue mobility, and thermodynamic stability) indicates that this missense variant is not expected to disrupt WNK1 protein function with a negative predictive value of 95%. In summary, the available evidence is currently insufficient to determine the role of this variant in disease. Therefore, it has been classified as a Variant of Uncertain Significance.

NM_018979.4(WNK1):c.3308G>A (p.Arg1103Gln)

Gene: WNK1 (WNK lysine deficient protein kinase 1; plus strand). Cytogenetic location: 12p13.33.
Variant type: single nucleotide variant.
Coding change: c.3308G>A on transcript NM_018979.4 (MANE Select); coding-DNA position 3308, G replaced by A.
Protein change: p.Arg1103Gln; replaces arginine 1103 with glutamine.
Molecular consequence: missense variant.
Genome position (GRCh38, 1-based): chr12:882,009, G>A. VCF-style: chr12-882009-G-A. GRCh37 (hg19) VCF-style: chr12-991175-G-A.
Other names: c.4088G>A, p.Arg1363Gln (NM_001184985.2); c.2567G>A, p.Arg856Gln (NM_014823.3); c.4064G>A, p.Arg1355Gln (NM_213655.5); short protein forms R1103Q, R1355Q, R1363Q, R856Q.
Identifiers: ClinVar variation 3758401 (VCV003758401.2).